The following is an entry in ClinVar:

NM_182914.3(SYNE2):c.3830G>A (p.Arg1277His)

Gene: SYNE2 (spectrin repeat containing nuclear envelope protein 2; plus strand). Cytogenetic location: 14q23.2.
Variant type: single nucleotide variant.
Coding change: c.3830G>A on transcript NM_182914.3 (MANE Select); coding-DNA position 3830, G replaced by A.
Protein change: p.Arg1277His; replaces arginine 1277 with histidine.
Molecular consequence: missense variant.
Genome position (GRCh38, 1-based): chr14:64,002,763, G>A. VCF-style: chr14-64002763-G-A. GRCh37 (hg19) VCF-style: chr14-64469481-G-A.
Other names: c.3830G>A, p.Arg1277His (NM_015180.6); short protein forms R1277H.
Identifiers: ClinVar variation 282516 (VCV000282516.20), dbSNP rs367549881, ClinGen allele CA7220079.

ClinVar aggregate classification (germline): Conflicting classifications of pathogenicity. Review status: criteria provided, conflicting classifications (1 of 4 stars). 6 submissions from 6 submitters: Uncertain significance (5); Benign (1). Last evaluated 2025-09-25.

Conditions:
Emery-Dreifuss muscular dystrophy 5, autosomal dominant (EDMD5). Also called: EMERY-DREIFUSS MUSCULAR DYSTROPHY 5. Identifiers: Orphanet 261, MedGen C2751805, MONDO:0013072, OMIM 612999.

Allele frequency attached by ClinVar (database versions not stated): TOPMed 0.00006; ExAC 0.00008; gnomAD 0.00008 and 0.00009; ESP Exome Variant Server 0.00025.
gnomAD v4.1: 175 of 1,613,402 alleles (0.011%); highest among the groups gnomAD compares: Middle Eastern, 0.017%; no homozygotes.

Submissions (6):

Ambry Genetics
Classification: Uncertain significance. Last evaluated: 2025-09-25. Review status: criteria provided, single submitter. Criteria: Ambry Variant Classification Scheme 2023. Collection method: clinical testing. Allele origin: germline.

Labcorp Genetics (formerly Invitae), Labcorp
Classification: Uncertain significance for Emery-Dreifuss muscular dystrophy 5, autosomal dominant. Last evaluated: 2024-09-12. Review status: criteria provided, single submitter. Criteria: Invitae Variant Classification Sherloc (09022015). Collection method: clinical testing. Allele origin: germline.
Comment: This sequence change replaces arginine, which is basic and polar, with histidine, which is basic and polar, at codon 1277 of the SYNE2 protein (p.Arg1277His). This variant is present in population databases (rs367549881, gnomAD 0.01%). This variant has not been reported in the literature in individuals affected with SYNE2-related conditions. ClinVar contains an entry for this variant (Variation ID: 282516). An algorithm developed to predict the effect of missense changes on protein structure and function outputs the following: PolyPhen-2: "Benign". The histidine amino acid residue is found in multiple mammalian species, which suggests that this missense change does not adversely affect protein function. In summary, the available evidence is currently insufficient to determine the role of this variant in disease. Therefore, it has been classified as a Variant of Uncertain Significance.

Revvity Omics, Revvity
Classification: Uncertain significance for Emery-Dreifuss muscular dystrophy 5, autosomal dominant. Last evaluated: 2019-07-29. Review status: criteria provided, single submitter. Criteria: ACMG Guidelines, 2015. Collection method: clinical testing. Allele origin: germline.

Fulgent Genetics
Classification: Uncertain significance for Emery-Dreifuss muscular dystrophy 5, autosomal dominant. Last evaluated: 2018-10-31. Review status: criteria provided, single submitter. Criteria: ACMG Guidelines, 2015. Collection method: clinical testing. Allele origin: unknown.

Illumina Laboratory Services, Illumina
Classification: Benign for Emery-Dreifuss muscular dystrophy 5, autosomal dominant. Last evaluated: 2018-01-13. Review status: criteria provided, single submitter. Criteria: ICSL Variant Classification Criteria 13 December 2019. Collection method: clinical testing. Allele origin: germline.
Comment: This variant was observed in the ICSL laboratory as part of a predisposition screen in an ostensibly healthy population. It had not been previously curated by ICSL or reported in the Human Gene Mutation Database (HGMD: prior to June 1st, 2018), and was therefore a candidate for classification through an automated scoring system. Utilizing variant allele frequency, disease prevalence and penetrance estimates, and inheritance mode, an automated score was calculated to assess if this variant is too frequent to cause the disease. Based on the score and internal cut-off values, a variant classified as benign is not then subjected to further curation. The score for this variant resulted in a classification of benign for this disease.

Eurofins Ntd Llc (ga)
Classification: Uncertain significance. Last evaluated: 2015-08-07. Review status: criteria provided, single submitter. Criteria: EGL Classification Definitions 2015. Collection method: clinical testing. Allele origin: germline. Observed: 1 variant allele, 1 heterozygote.